The following is an entry in ClinVar:

NM_001165963.4(SCN1A):c.215T>C (p.Met72Thr)

Gene: SCN1A (sodium voltage-gated channel alpha subunit 1; minus strand). Cytogenetic location: 2q24.3.
Variant type: single nucleotide variant.
Coding change: c.215T>C on transcript NM_001165963.4 (MANE Select); coding-DNA position 215, T replaced by C.
Protein change: p.Met72Thr; replaces methionine 72 with threonine.
Molecular consequence: missense variant. On other transcripts: 5 prime UTR variant (1), non-coding transcript variant (1).
Genome position (GRCh38, 1-based): chr2:166,073,407, A>G on the plus strand (T>C on the coding strand, the complement: SCN1A is on the minus strand). VCF-style: chr2-166073407-A-G. GRCh37 (hg19) VCF-style: chr2-166929917-A-G.
Other names: c.215T>C (NM_001165963.1); c.215T>C, p.Met72Thr (NM_001202435.3, NM_001353948.2, NM_001353949.2 and 10 more transcripts); c.-2211T>C (NM_001353961.2); short protein forms M72T.
Identifiers: ClinVar variation 2758480 (VCV002758480.4), dbSNP rs2468364695, ClinGen allele CA349242780.
Genomic context (GRCh38, chr2:166,073,407, plus strand): 5'-AAAACACTCACTTTCTTATTGATATAGTAGGGGTCCAGGTCCTCCAGGGGCTCTGACACC[A>G]TCTCTGGAGGAATGTCTCCATAAATAAATGGAAGGTTCTTTCCAGCTTCCAAGTCACTAT-3'
Protein context (NP_001159435.1, residues 62-82): PFIYGDIPPE[Met72Thr]VSEPLEDLDP

ClinVar aggregate classification (germline): Uncertain significance. Review status: criteria provided, multiple submitters, no conflicts (2 of 4 stars). 2 submissions from 2 submitters: Uncertain significance (2). Last evaluated 2025-02-25.

Conditions:
Early-infantile DEE. Also called: Ohtahara syndrome; Early infantile epileptic encephalopathy; Early infantile epileptic encephalopathy with suppression bursts. Identifiers: Orphanet 1934, MedGen C0393706, MONDO:0800491.

Submissions (2):

GeneDx
Classification: Uncertain significance. Last evaluated: 2025-02-25. Review status: criteria provided, single submitter. Criteria: GeneDx Variant Classification Process June 2021. Collection method: clinical testing. Allele origin: germline. Affected: yes.
Comment: Not observed at significant frequency in large population cohorts (gnomAD); In silico analysis supports that this missense variant has a deleterious effect on protein structure/function; This substitution is predicted to be within the N-terminal cytoplasmic domain; This variant is associated with the following publications: (PMID: 31554424)

Labcorp Genetics (formerly Invitae), Labcorp
Classification: Uncertain significance for Early-infantile DEE. Last evaluated: 2024-06-06. Review status: criteria provided, single submitter. Criteria: Invitae Variant Classification Sherloc (09022015). Collection method: clinical testing. Allele origin: germline.
Comment: This sequence change replaces methionine, which is neutral and non-polar, with threonine, which is neutral and polar, at codon 72 of the SCN1A protein (p.Met72Thr). This variant is not present in population databases (gnomAD no frequency). This variant has not been reported in the literature in individuals affected with SCN1A-related conditions. Advanced modeling of protein sequence and biophysical properties (such as structural, functional, and spatial information, amino acid conservation, physicochemical variation, residue mobility, and thermodynamic stability) performed at Invitae indicates that this missense variant is expected to disrupt SCN1A protein function with a positive predictive value of 95%. In summary, the available evidence is currently insufficient to determine the role of this variant in disease. Therefore, it has been classified as a Variant of Uncertain Significance.